The following is an entry in ClinVar:

ClinVar aggregate classification (germline): Likely benign (1 of 4 stars; one submission).

gnomAD v4.1: 53 of 1,613,700 alleles (0.0033%); highest among the groups gnomAD compares: Admixed American, 0.053%; no homozygotes.

Submission:

CeGaT Center for Human Genetics Tuebingen
Classification: Likely benign. Last evaluated: 2026-08-01. Review status: criteria provided, single submitter. Criteria: CeGaT Center For Human Genetics Tuebingen Variant Classification Criteria Version 2. Collection method: clinical testing. Allele origin: germline. Affected: yes. Observed: 1 variant allele.
Comment: CLTCL1: BP4, BP7

NM_007098.4(CLTCL1):c.4524G>A (p.Arg1508=)

Gene: CLTCL1 (clathrin heavy chain like 1; minus strand). Cytogenetic location: 22q11.21.
Variant type: single nucleotide variant.
Coding change: c.4524G>A on transcript NM_007098.4 (MANE Select); coding-DNA position 4524, G replaced by A.
Protein change: p.Arg1508=; no amino-acid change (arginine 1508 retained).
Molecular consequence: synonymous variant. On other transcripts: intron variant (1).
Genome position (GRCh38, 1-based): chr22:19,187,639, C>T on the plus strand (G>A on the coding strand, the complement: CLTCL1 is on the minus strand). VCF-style: chr22-19187639-C-T. GRCh37 (hg19) VCF-style: chr22-19175151-C-T.
Other names: c.4434+342G>A (NM_001835.4).
Identifiers: ClinVar variation 5039169 (VCV005039169.1).
Genomic context (GRCh38, chr22:19,187,639, plus strand): 5'-GCAGAGCTCCACGCTCTGGGCCCACCAGTTATTGCCCTTGTACAGATAGGCCGCAATGCA[C>T]CTGAACTCCATCAGCTGATGCTTCTCCAGCTGCTGAGCCAGGCTGATGTTGTCAAAGTTG-3'
Protein context (NP_009029.3, residues 1498-1518): QLEKHQLMEF[Arg1508=]CIAAYLYKGN